The following is an entry in ClinVar:

ClinVar aggregate classification (germline): Uncertain significance. Review status: criteria provided, multiple submitters, no conflicts (2 of 4 stars). 2 submissions from 2 submitters: Uncertain significance (2). Last evaluated 2022-08-18.

Conditions:
Inborn genetic diseases. Identifiers: MedGen C0950123, MeSH D030342.
Glaucoma 1, open angle, E. Identifiers: MedGen C1842026, MONDO:0007665.
Primary open angle glaucoma (POAG). Also called: OPTN-related open angle glaucoma. Identifiers: MedGen C0339573, MONDO:0100553, OMIM 137760.
Amyotrophic lateral sclerosis type 12 (ALS12). Also called: AMYOTROPHIC LATERAL SCLEROSIS 12 WITH OR WITHOUT FRONTOTEMPORAL DEMENTIA. Identifiers: Orphanet 803, MedGen C3150692, MONDO:0013264, OMIM 613435.

Allele frequency attached by ClinVar (database versions not stated): TOPMed below 0.00001; gnomAD 0.00001.
gnomAD v4.1: 8 of 1,611,218 alleles (0.0005%); highest among the groups gnomAD compares: Admixed American, 0.0033%; no homozygotes.

Submissions (2):

Labcorp Genetics (formerly Invitae), Labcorp
Classification: Uncertain significance for Primary open angle glaucoma; Glaucoma 1, open angle, E; Amyotrophic lateral sclerosis type 12. Last evaluated: 2022-08-18. Review status: criteria provided, single submitter. Criteria: Invitae Variant Classification Sherloc (09022015). Collection method: clinical testing. Allele origin: germline.
Comment: In summary, the available evidence is currently insufficient to determine the role of this variant in disease. Therefore, it has been classified as a Variant of Uncertain Significance. Algorithms developed to predict the effect of missense changes on protein structure and function output the following: SIFT: "Tolerated"; PolyPhen-2: "Benign"; Align-GVGD: "Class C0". The methionine amino acid residue is found in multiple mammalian species, which suggests that this missense change does not adversely affect protein function. This variant has not been reported in the literature in individuals affected with OPTN-related conditions. This variant is present in population databases (no rsID available, gnomAD 0.003%). This sequence change replaces threonine, which is neutral and polar, with methionine, which is neutral and non-polar, at codon 209 of the OPTN protein (p.Thr209Met).

Ambry Genetics
Classification: Uncertain significance for Inborn genetic diseases. Last evaluated: 2021-01-08. Review status: criteria provided, single submitter. Criteria: Ambry Variant Classification Scheme 2023. Collection method: clinical testing. Allele origin: germline.
Comment: The c.626C>T variant (also known as p.T209M), located in coding exon 4 of the OPTN gene, results from a C to T substitution at nucleotide position 626. The amino acid change results in threonine to methionine at codon 209, an amino acid with similar properties. However, this change occurs in the last base pair of coding exon 4, which makes it likely to have some effect on normal mRNA splicing. This nucleotide position is poorly conserved in available vertebrate species. In silico splice site analysis for this alteration is inconclusive. This amino acid position is poorly conserved in available vertebrate species. In addition, as a missense substitution this is predicted to be tolerated by in silico analysis. Since supporting evidence is limited at this time, the clinical significance of this alteration remains unclear.

NM_001008212.2(OPTN):c.626C>T (p.Thr209Met)

Gene: OPTN (optineurin; plus strand). Cytogenetic location: 10p13.
Variant type: single nucleotide variant.
Coding change: c.626C>T on transcript NM_001008212.2 (MANE Select); coding-DNA position 626, C replaced by T.
Protein change: p.Thr209Met; replaces threonine 209 with methionine.
Molecular consequence: missense variant.
Genome position (GRCh38, 1-based): chr10:13,116,340, C>T. VCF-style: chr10-13116340-C-T. GRCh37 (hg19) VCF-style: chr10-13158340-C-T.
Other names: c.626C>T, p.Thr209Met (NM_001008211.1, NM_001008213.1, NM_021980.4); short protein forms T209M.
Identifiers: ClinVar variation 1752541 (VCV001752541.7), dbSNP rs1026407971, ClinGen allele CA376028322.